The following is an entry in ClinVar:

NM_000179.3(MSH6):c.116_117delinsAA (p.Gly39Glu)

Gene: MSH6 (mutS homolog 6; plus strand). Cytogenetic location: 2p16.3.
Variant type: Indel.
Coding change: c.116_117delinsAA on transcript NM_000179.3 (MANE Select); coding-DNA positions 116 to 117, GG replaced by AA.
Protein change: p.Gly39Glu; replaces glycine 39 with glutamic acid.
Molecular consequence: missense variant. On other transcripts: 5 prime UTR variant (7), non-coding transcript variant (5), intron variant (5).
Genome position (GRCh38, 1-based): chr2:47,783,349-47,783,350, GG replaced by AA. VCF-style: chr2-47783349-GG-AA. GRCh37 (hg19) VCF-style: chr2-48010488-GG-AA.
Other names: c.116_117delinsAA, p.Gly39Glu (NM_001281492.2, NM_001406795.1, NM_001406796.1 and 9 more transcripts); c.-621_-620delinsAA (NM_001281493.2, NM_001406811.1); c.-213_-212delinsAA (NM_001406799.1); c.61_62delinsAA, p.Gly21Lys (NM_001406804.1); c.-813_-812delinsAA (NM_001406807.1); c.-468_-467delinsAA (NM_001406812.1); c.-879_-878delinsAA (NM_001406814.1); c.-424_-423delinsAA (NM_001406816.1); and 3 more; short protein forms G21K, G39E.
Identifiers: ClinVar variation 3904305 (VCV003904305.1).

ClinVar aggregate classification (germline): Benign (1 of 4 stars; one submission).

Conditions:
Lynch syndrome 5 (LYNCH5). Also called: Colorectal cancer, hereditary nonpolyposis, type 5; Hereditary non-polyposis colorectal cancer, type 5. Identifiers: Orphanet 144, MedGen C1833477, MONDO:0013710, OMIM 614350. Disease mechanism: loss of function.

Submission:

Myriad Genetics, Inc.
Classification: Benign for Lynch syndrome 5. Last evaluated: 2024-12-17. Review status: criteria provided, single submitter. Criteria: Myriad Autosomal Dominant, Autosomal Recessive and X-Linked Classification Criteria (2023). Collection method: clinical testing. Allele origin: unknown.
Comment: This variant is considered benign. This variant has been observed at a population frequency that is significantly greater than expected given the associated disease prevalence and penetrance.